The following is an entry in ClinVar:

NM_001267550.2(TTN):c.42496T>A (p.Ser14166Thr)

Gene: TTN (titin; minus strand). Cytogenetic location: 2q31.2.
Variant type: single nucleotide variant.
Coding change: c.42496T>A on transcript NM_001267550.2 (MANE Select); coding-DNA position 42496, T replaced by A.
Protein change: p.Ser14166Thr; replaces serine 14166 with threonine.
Molecular consequence: missense variant.
Genome position (GRCh38, 1-based): chr2:178,634,003, A>T on the plus strand (T>A on the coding strand, the complement: TTN is on the minus strand). VCF-style: chr2-178634003-A-T. GRCh37 (hg19) VCF-style: chr2-179498730-A-T.
Other names: c.15301T>A, p.Ser5101Thr (NM_003319.4); c.34792T>A, p.Ser11598Thr (NM_133378.4); c.15676T>A, p.Ser5226Thr (NM_133432.3); c.15877T>A, p.Ser5293Thr (NM_133437.4); c.37573T>A, p.Ser12525Thr (NM_001256850.1); short protein forms S11598T, S14166T, S12525T, S5101T, S5226T, S5293T.
Identifiers: ClinVar variation 1774605 (VCV001774605.2), dbSNP rs2471527435, ClinGen allele CA349654711.
Genomic context (GRCh38, chr2:178,634,003, plus strand): 5'-TTCTGCTTGTATGGAGTTTGGCATCATTTTTGAACCAGACTACATGCATTTTTTCATGAG[A>T]AAGTTCACAAACAAAAGTTGCTGTTTCACCTTCTTTTACTGTTTGATCTTCAAGAGGTGA-3'
Protein context (NP_001254479.2, residues 14156-14176): GETATFVCEL[Ser14166Thr]HEKMHVVWFK

ClinVar aggregate classification (germline): Uncertain significance (1 of 4 stars; one submission).

Conditions:
Cardiovascular phenotype. Identifiers: MedGen CN230736.

Submission:

Ambry Genetics
Classification: Uncertain significance for Cardiovascular phenotype. Last evaluated: 2020-09-16. Review status: criteria provided, single submitter. Criteria: Ambry Variant Classification Scheme 2023. Collection method: clinical testing. Allele origin: germline.
Comment: The p.S5101T variant (also known as c.15301T>A), located in coding exon 58 of the TTN gene, results from a T to A substitution at nucleotide position 15301. The serine at codon 5101 is replaced by threonine, an amino acid with similar properties. This amino acid position is well conserved in available vertebrate species. In addition, this alteration is predicted to be tolerated by in silico analysis. Since supporting evidence is limited at this time, the clinical significance of this alteration remains unclear.